The following is an entry in ClinVar:

NM_020884.7(MYH7B):c.4018G>A (p.Val1340Met)

Gene: MYH7B (myosin heavy chain 7B; plus strand). Cytogenetic location: 20q11.22.
Variant type: single nucleotide variant.
Coding change: c.4018G>A on transcript NM_020884.7 (MANE Select); coding-DNA position 4018, G replaced by A.
Protein change: p.Val1340Met; replaces valine 1340 with methionine.
Molecular consequence: missense variant.
Genome position (GRCh38, 1-based): chr20:34,998,743, G>A. VCF-style: chr20-34998743-G-A. GRCh37 (hg19) VCF-style: chr20-33586546-G-A.
Other names: c.4144G>A (NM_020884.3); short protein forms V1340M.
Identifiers: ClinVar variation 1424589 (VCV001424589.9), dbSNP rs778321080, ClinGen allele CA9827970.
Genomic context (GRCh38, chr20:34,998,743, plus strand): 5'-GCTGCACTAACGCTGAGGTCACTGGTGTCCCTGCAGGCCAAGAGTGCCCTGGCCCACGCC[G>A]TGCAGGCTCTGCGGCACGACTGTGACCTCCTGCGGGAGCAACACGAGGAGGAGGCTGAGG-3'
Protein context (NP_065935.4, residues 1330-1350): SKAKSALAHA[Val1340Met]QALRHDCDLL

ClinVar aggregate classification (germline): Uncertain significance. Review status: criteria provided, multiple submitters, no conflicts (2 of 4 stars). 2 submissions from 2 submitters: Uncertain significance (2). Last evaluated 2024-07-10.

Allele frequency attached by ClinVar (database versions not stated): gnomAD 0.00002; TOPMed 0.00002; ExAC 0.00003; gnomAD exomes 0.00003.
gnomAD v4.1: 89 of 1,612,078 alleles (0.0055%); highest among the groups gnomAD compares: Non-Finnish European, 0.007%; no homozygotes.

Submissions (2):

Ambry Genetics
Classification: Uncertain significance. Last evaluated: 2024-07-10. Review status: criteria provided, single submitter. Criteria: Ambry Variant Classification Scheme 2023. Collection method: clinical testing. Allele origin: germline.

Labcorp Genetics (formerly Invitae), Labcorp
Classification: Uncertain significance. Last evaluated: 2022-11-29. Review status: criteria provided, single submitter. Criteria: Invitae Variant Classification Sherloc (09022015). Collection method: clinical testing. Allele origin: germline.
Comment: This sequence change replaces valine, which is neutral and non-polar, with methionine, which is neutral and non-polar, at codon 1382 of the MYH7B protein (p.Val1382Met). This variant is present in population databases (rs778321080, gnomAD 0.01%). This variant has not been reported in the literature in individuals affected with MYH7B-related conditions. ClinVar contains an entry for this variant (Variation ID: 1424589). Advanced modeling of protein sequence and biophysical properties (such as structural, functional, and spatial information, amino acid conservation, physicochemical variation, residue mobility, and thermodynamic stability) performed at Invitae indicates that this missense variant is not expected to disrupt MYH7B protein function. In summary, the available evidence is currently insufficient to determine the role of this variant in disease. Therefore, it has been classified as a Variant of Uncertain Significance.